The following is an entry in ClinVar:

NM_000051.4(ATM):c.2286_2287del (p.Leu762_Phe763insTer)

Gene: ATM (ATM serine/threonine kinase; plus strand). Cytogenetic location: 11q22.3.
Variant type: Deletion.
Coding change: c.2286_2287del on transcript NM_000051.4 (MANE Select); coding-DNA positions 2286 to 2287, 2 bases deleted (GT; older notation c.2286_2287delGT).
Protein change: p.Leu762_Phe763insTer.
Molecular consequence: frameshift variant.
Genome position (GRCh38, 1-based): chr11:108,257,516-108,257,517, GT deleted; deleting any 2 consecutive bases within chr11:108,257,515-108,257,517 gives the same sequence; the c. name uses the placement nearest the transcript's 3' end. VCF-style (leftmost placement, unchanged base first): chr11-108257514-CTG-C. GRCh37 (hg19) VCF-style: chr11-108128241-CTG-C.
Other names: c.2286_2287delGT (NM_000051.3); c.2286_2287del, p.Leu762_Phe763insTer (NM_001351834.2).
Identifiers: ClinVar variation 422518 (VCV000422518.14), dbSNP rs1064795831, ClinGen allele CA16619137.
Genomic context (GRCh38, chr11:108,257,514, plus strand): 5'-TTGCATTTTTCCTTCTATTCACAATAGTCTCTAATGCAATGTGCAGGAGAAAGTATCACT[CTG>C]TTTAAAAATAAGACAAATGAGGAATTCAGAATTGGTTCCTTGAGAAATATGATGCAGCTA-3'

ClinVar aggregate classification (germline): Pathogenic/Likely pathogenic. Review status: criteria provided, multiple submitters, no conflicts (2 of 4 stars). 3 submissions from 3 submitters: Pathogenic (2); Likely pathogenic (1). Last evaluated 2019-06-03.

Conditions:
Hereditary cancer-predisposing syndrome. Also called: Hereditary neoplastic syndrome; Hereditary Cancer Syndrome; Neoplastic Syndromes, Hereditary; Tumor predisposition. Identifiers: Orphanet 140162, MedGen C0027672, MeSH D009386, MONDO:0015356.
Ataxia-telangiectasia syndrome (AT). Also called: Ataxia-telangiectasia, complementation group D; Cerebello-oculocutaneous telangiectasia; Immunodeficiency with ataxia telangiectasia; ATAXIA-TELANGIECTASIA, COMPLEMENTATION GROUP A; ATAXIA-TELANGIECTASIA, FRESNO VARIANT; LOUIS-BAR SYNDROME. Identifiers: Orphanet 100, MedGen C0004135, MONDO:0008840, OMIM 208900.

Submissions (3):

Labcorp Genetics (formerly Invitae), Labcorp
Classification: Pathogenic for Ataxia-telangiectasia syndrome. Last evaluated: 2019-06-03. Review status: criteria provided, single submitter. Criteria: Invitae Variant Classification Sherloc (09022015). Collection method: clinical testing. Allele origin: germline.
Comment: For these reasons, this variant has been classified as Pathogenic. Loss-of-function variants in ATM are known to be pathogenic (PMID: 23807571, 25614872). This variant has not been reported in the literature in individuals with ATM-related conditions. ClinVar contains an entry for this variant (Variation ID: 422518). This variant is not present in population databases (ExAC no frequency). This sequence change creates a premature translational stop signal (p.Phe763*) in the ATM gene. It is expected to result in an absent or disrupted protein product.

Ambry Genetics
Classification: Pathogenic for Hereditary cancer-predisposing syndrome. Last evaluated: 2017-05-19. Review status: criteria provided, single submitter. Criteria: Ambry Variant Classification Scheme 2023. Collection method: clinical testing. Allele origin: germline.
Comment: The c.2286_2287delGT pathogenic mutation (also known as p.F763*), located in coding exon 14 of the ATM gene, results from a deletion of two nucleotides at nucleotide positions 2286 to 2287. This changes the amino acid from a phenylalanine to a stop codon within coding exon 14. This alteration is expected to result in loss of function by premature protein truncation or nonsense-mediated mRNA decay. As such, this alteration is interpreted as a disease-causing mutation.

GeneDx
Classification: Likely pathogenic. Last evaluated: 2016-10-12. Review status: criteria provided, single submitter. Criteria: GeneDx Variant Classification (06012015). Collection method: clinical testing. Allele origin: germline. Affected: yes.
Comment: This deletion of two nucleotides is denoted ATM c.2286_2287delGT at the cDNA level and p.Phe763Ter (F763X) at the protein level. The normal sequence, with the bases that are deleted in braces, is CTCT[GT]TTAA. The deletion creates a nonsense variant, which changes a Phenylalanine to a premature stop codon. Although this variant has not been previously reported to our knowledge, it is predicted to cause loss of normal protein function through either protein truncation or nonsense-mediated mRNA decay, and is considered likely pathogenic.

Literature cited by the submitters: PubMed 23807571 (cited by Labcorp Genetics (formerly Invitae), Labcorp); PubMed 25614872 (cited by Labcorp Genetics (formerly Invitae), Labcorp).